The following is an entry in ClinVar:

NM_000388.4(CASR):c.180dup (p.Ile61fs)

Gene: CASR (calcium sensing receptor; plus strand). Cytogenetic location: 3q21.1.
Variant type: Duplication.
Coding change: c.180dup on transcript NM_000388.4 (MANE Select); coding-DNA position 180, one base duplicated (T; older notation c.180dupT).
Protein change: p.Ile61fs; shifts the reading frame from isoleucine 61.
Molecular consequence: frameshift variant.
Genome position (GRCh38, 1-based): chr3:122,254,369, T duplicated. VCF-style (leftmost placement, unchanged base first): chr3-122254368-G-GT. GRCh37 (hg19) VCF-style: chr3-121973215-G-GT.
Other names: c.180dup, p.Ile61fs (NM_001178065.2); short protein forms I61fs.
Identifiers: ClinVar variation 3755370 (VCV003755370.2).
Genomic context (GRCh38, chr3:122,254,368, plus strand): 5'-TTCATTTTGGAGTAGCAGCTAAAGATCAAGATCTCAAATCAAGGCCGGAGTCTGTGGAAT[G>GT]TATCAGGTAAGAAGAGGGGCCTAATCTGCCAATCTCTTCTCTTCTGAGTGGTTGGAGAAA-3'

ClinVar aggregate classification (germline): Pathogenic (1 of 4 stars; one submission).

Conditions:
Autosomal dominant hypocalcemia 1 (HYPOC1). Also called: HYPOCALCEMIA, FAMILIAL. Identifiers: MedGen C3715128, MONDO:0011013, OMIM 601198.
Familial hypocalciuric hypercalcemia (FHH). Also called: Familial benign hypercalcemia. Identifiers: Orphanet 405, MedGen C1809471, MONDO:0018458.

Submission:

Labcorp Genetics (formerly Invitae), Labcorp
Classification: Pathogenic for Familial hypocalciuric hypercalcemia; Autosomal dominant hypocalcemia 1. Last evaluated: 2024-03-18. Review status: criteria provided, single submitter. Criteria: Invitae Variant Classification Sherloc (09022015). Collection method: clinical testing. Allele origin: germline.
Comment: This sequence change creates a premature translational stop signal (p.Ile61Tyrfs*4) in the CASR gene. It is expected to result in an absent or disrupted protein product. Loss-of-function variants in CASR are known to be pathogenic (PMID: 11807402, 14985373, 22422767). This variant is not present in population databases (gnomAD no frequency). This variant has not been reported in the literature in individuals affected with CASR-related conditions. For these reasons, this variant has been classified as Pathogenic.

Literature cited by the submitters: PubMed 11807402; PubMed 14985373; PubMed 22422767.